The following is an entry in ClinVar:

ClinVar aggregate classification (germline): Uncertain significance (1 of 4 stars; one submission).

Submission:

GeneDx
Classification: Uncertain significance. Last evaluated: 2024-02-09. Review status: criteria provided, single submitter. Criteria: GeneDx Variant Classification Process June 2021. Collection method: clinical testing. Allele origin: germline. Affected: yes.
Comment: Not observed at significant frequency in large population cohorts (gnomAD); In-frame deletion of 3 amino acids in a non-repeat region; In silico analysis supports a deleterious effect on protein structure/function; Has not been previously published as pathogenic or benign to our knowledge

NM_003491.4(NAA10):c.643_651del (p.Val215_Glu217del)

Gene: NAA10 (N-alpha-acetyltransferase 10, NatA catalytic subunit; minus strand). Cytogenetic location: Xq28.
Variant type: Deletion.
Coding change: c.643_651del on transcript NM_003491.4 (MANE Select); coding-DNA positions 643 to 651, 9 bases deleted (GTCAGCGAG; older notation c.643_651delGTCAGCGAG).
Protein change: p.Val215_Glu217del.
Molecular consequence: inframe deletion.
Genome position (GRCh38, 1-based): chrX:153,930,044-153,930,052, CTCGCTGAC deleted on the plus strand (GTCAGCGAG on the coding strand, the reverse complement: NAA10 is on the minus strand); deleting any 9 consecutive bases within chrX:153,930,044-153,930,060 gives the same sequence; the c. name uses the placement nearest the transcript's 3' end. VCF-style (leftmost placement, unchanged base first): chrX-153930043-TCTCGCTGAC-T. GRCh37 (hg19) VCF-style: chrX-153195496-TCTCGCTGAC-T.
Other names: c.598_606del, p.Val200_Glu202del (NM_001256119.2); c.625_633del, p.Val209_Glu211del (NM_001256120.2).
Identifiers: ClinVar variation 3369033 (VCV003369033.1).